The following is an entry in ClinVar:

NM_005121.3(MED13):c.5757G>T (p.Pro1919=)

Gene: MED13 (mediator complex subunit 13; minus strand). Cytogenetic location: 17q23.2.
Variant type: single nucleotide variant.
Coding change: c.5757G>T on transcript NM_005121.3 (MANE Select); coding-DNA position 5757, G replaced by T.
Protein change: p.Pro1919=; no amino-acid change (proline 1919 retained).
Molecular consequence: synonymous variant.
Genome position (GRCh38, 1-based): chr17:61,955,705, C>A on the plus strand (G>T on the coding strand, the complement: MED13 is on the minus strand). VCF-style: chr17-61955705-C-A. GRCh37 (hg19) VCF-style: chr17-60033066-C-A.
Identifiers: ClinVar variation 3341946 (VCV003341946.17).

ClinVar aggregate classification (germline): Likely benign. Review status: criteria provided, multiple submitters, no conflicts (2 of 4 stars). 2 submissions from 2 submitters: Likely benign (2). Last evaluated 2024-09-16.

gnomAD v4.1: 13 of 1,606,308 alleles (0.00081%); highest among the groups gnomAD compares: Middle Eastern, 0.017%; no homozygotes.

Submissions (2):

Blueprint Genetics
Classification: Likely benign. Last evaluated: 2024-09-16. Review status: criteria provided, single submitter. Criteria: ACMG Guidelines, 2015. Collection method: clinical testing. Allele origin: germline.

CeGaT Center for Human Genetics Tuebingen
Classification: Likely benign. Last evaluated: 2024-08-01. Review status: criteria provided, single submitter. Criteria: CeGaT Center For Human Genetics Tuebingen Variant Classification Criteria Version 2. Collection method: clinical testing. Allele origin: germline. Affected: yes. Observed: 1 variant allele.
Comment: MED13: BP4, BP7